The following is an entry in ClinVar:

NM_006922.4(SCN3A):c.3910C>T (p.Arg1304Trp)

Gene: SCN3A (sodium voltage-gated channel alpha subunit 3; minus strand). Cytogenetic location: 2q24.3.
Variant type: single nucleotide variant.
Coding change: c.3910C>T on transcript NM_006922.4 (MANE Select); coding-DNA position 3910, C replaced by T.
Protein change: p.Arg1304Trp; replaces arginine 1304 with tryptophan.
Molecular consequence: missense variant.
Genome position (GRCh38, 1-based): chr2:165,100,358, G>A on the plus strand (C>T on the coding strand, the complement: SCN3A is on the minus strand). VCF-style: chr2-165100358-G-A. GRCh37 (hg19) VCF-style: chr2-165956868-G-A.
Other names: c.3910C>T (NM_006922.3); c.3763C>T, p.Arg1255Trp (NM_001081676.2, NM_001081677.2); short protein forms R1255W, R1304W.
Identifiers: ClinVar variation 3680983 (VCV003680983.3).
Genomic context (GRCh38, chr2:165,100,358, plus strand): 5'-TTACCCTCATGCCTTCAAACCGGGATAAGGCTCTTAGAGGTCTTAAAGCTCTTAATGTCC[G>A]TAATGATTTGATGGCACCGAGTTCTGAGTAGCCAAGAGCATTGGCTACCAGGCTAACCAA-3'
Protein context (NP_008853.3, residues 1294-1314): YSELGAIKSL[Arg1304Trp]TLRALRPLRA

ClinVar aggregate classification (germline): Uncertain significance. Review status: criteria provided, multiple submitters, no conflicts (2 of 4 stars). 2 submissions from 2 submitters: Uncertain significance (2). Last evaluated 2025-03-09.

gnomAD v4.1: 3 of 1,613,634 alleles (0.00019%); highest among the groups gnomAD compares: Non-Finnish European, 0.00017%; no homozygotes.

Submissions (2):

GeneDx
Classification: Uncertain significance. Last evaluated: 2025-03-09. Review status: criteria provided, single submitter. Criteria: GeneDx Variant Classification Process June 2021. Collection method: clinical testing. Allele origin: germline. Affected: yes.
Comment: Not observed at significant frequency in large population cohorts (gnomAD); In silico analysis supports that this missense variant has a deleterious effect on protein structure/function; Has not been previously published as pathogenic or benign to our knowledge

Labcorp Genetics (formerly Invitae), Labcorp
Classification: Uncertain significance. Last evaluated: 2024-10-10. Review status: criteria provided, single submitter. Criteria: Invitae Variant Classification Sherloc (09022015). Collection method: clinical testing. Allele origin: germline.
Comment: This sequence change replaces arginine, which is basic and polar, with tryptophan, which is neutral and slightly polar, at codon 1304 of the SCN3A protein (p.Arg1304Trp). This variant is not present in population databases (gnomAD no frequency). This variant has not been reported in the literature in individuals affected with SCN3A-related conditions. Invitae Evidence Modeling of protein sequence and biophysical properties (such as structural, functional, and spatial information, amino acid conservation, physicochemical variation, residue mobility, and thermodynamic stability) indicates that this missense variant is expected to disrupt SCN3A protein function with a positive predictive value of 80%. In summary, the available evidence is currently insufficient to determine the role of this variant in disease. Therefore, it has been classified as a Variant of Uncertain Significance.